The following is an entry in ClinVar:

ClinVar aggregate classification (germline): Likely benign (1 of 4 stars; one submission).

Allele frequency attached by ClinVar (database versions not stated): TOPMed 0.00073; ESP Exome Variant Server 0.00092; gnomAD 0.00119; 1000 Genomes Project 30x 0.00156; 1000 Genomes Project 0.00180.
gnomAD v4.1: 2,283 of 1,613,058 alleles (0.14%); highest among the groups gnomAD compares: South Asian, 0.33%; 13 homozygotes.

Submission:

CeGaT Center for Human Genetics Tuebingen
Classification: Likely benign. Last evaluated: 2022-10-01. Review status: criteria provided, single submitter. Criteria: CeGaT Center For Human Genetics Tuebingen Variant Classification Criteria Version 2. Collection method: clinical testing. Allele origin: germline. Affected: yes. Observed: 1 variant allele.
Comment: PRDM15: BP4, BP7

NM_001040424.3(PRDM15):c.2493G>A (p.Thr831=)

Gene: PRDM15 (PR/SET domain 15; minus strand). Cytogenetic location: 21q22.3.
Variant type: single nucleotide variant.
Coding change: c.2493G>A on transcript NM_001040424.3 (MANE Select); coding-DNA position 2493, G replaced by A.
Protein change: p.Thr831=; no amino-acid change (threonine 831 retained).
Molecular consequence: synonymous variant. On other transcripts: non-coding transcript variant (4).
Genome position (GRCh38, 1-based): chr21:41,810,313, C>T on the plus strand (G>A on the coding strand, the complement: PRDM15 is on the minus strand). VCF-style: chr21-41810313-C-T. GRCh37 (hg19) VCF-style: chr21-43230669-C-T.
Other names: c.2553G>A, p.Thr851= (NM_001282934.2); c.2691G>A, p.Thr897= (NM_022115.7); c.129G>A, p.Thr43= (NM_144771.1).
Identifiers: ClinVar variation 2652687 (VCV002652687.24), dbSNP rs146699277, ClinGen allele CA10036188.